The following is an entry in ClinVar:

ClinVar aggregate classification (germline): Conflicting classifications of pathogenicity. Review status: criteria provided, conflicting classifications (1 of 4 stars). 3 submissions from 3 submitters: Uncertain significance (1); Benign (1); Likely benign (1). Last evaluated 2025-12-24.

Conditions:
KMT2D-related disorder. Also called: KMT2D-Related Disorders.
Kabuki syndrome. Also called: NIIKAWA-KUROKI SYNDROME; Kabuki make-up syndrome. Identifiers: Orphanet 2322, MedGen C0796004, MONDO:0016512.

Allele frequency attached by ClinVar (database versions not stated): gnomAD exomes 0.00001; ExAC 0.00002; gnomAD 0.00004; TOPMed 0.00004; 1000 Genomes Project 30x 0.00016; 1000 Genomes Project 0.00020.
gnomAD v4.1: 19 of 1,516,320 alleles (0.0013%); highest among the groups gnomAD compares: African/African-American, 0.014%; no homozygotes.

Submissions (3):

Labcorp Genetics (formerly Invitae), Labcorp
Classification: Benign for Kabuki syndrome. Last evaluated: 2025-12-24. Review status: criteria provided, single submitter. Criteria: Invitae Variant Classification Sherloc (09022015). Collection method: clinical testing. Allele origin: germline.

PreventionGenetics, part of Exact Sciences
Classification: Likely benign for KMT2D-related condition. Last evaluated: 2025-09-10. Review status: criteria provided, single submitter. Criteria: ACMG Guidelines, 2015. Collection method: clinical testing. Allele origin: germline.
Comment: This variant is classified as likely benign based on ACMG/AMP sequence variant interpretation guidelines (Richards et al. 2015 PMID: 25741868, with internal and published modifications).

Women's Health and Genetics/Laboratory Corporation of America, LabCorp
Classification: Uncertain significance. Last evaluated: 2024-10-07. Review status: criteria provided, single submitter. Criteria: LabCorp Variant Classification Summary - May 2015. Collection method: clinical testing. Allele origin: germline.
Comment: Variant summary: KMT2D c.6521A>G (p.Gln2174Arg) results in a conservative amino acid change in the encoded protein sequence. Five of five in-silico tools predict a benign effect of the variant on protein function. The variant allele was found at a frequency of 2.7e-05 in 146350 control chromosomes. The available data on variant occurrences in the general population are insufficient to allow any conclusion about variant significance. To our knowledge, no occurrence of c.6521A>G in individuals affected with Kabuki Syndrome 1 and no experimental evidence demonstrating its impact on protein function have been reported. ClinVar contains an entry for this variant (Variation ID: 2144612). Based on the evidence outlined above, the variant was classified as uncertain significance.

NM_003482.4(KMT2D):c.6521A>G (p.Gln2174Arg)

Gene: KMT2D (lysine methyltransferase 2D; minus strand). Cytogenetic location: 12q13.12.
Variant type: single nucleotide variant.
Coding change: c.6521A>G on transcript NM_003482.4 (MANE Select); coding-DNA position 6521, A replaced by G.
Protein change: p.Gln2174Arg; replaces glutamine 2174 with arginine.
Molecular consequence: missense variant.
Genome position (GRCh38, 1-based): chr12:49,041,249, T>C on the plus strand (A>G on the coding strand, the complement: KMT2D is on the minus strand). VCF-style: chr12-49041249-T-C. GRCh37 (hg19) VCF-style: chr12-49435032-T-C.
Other names: short protein forms Q2174R.
Identifiers: ClinVar variation 2144612 (VCV002144612.7), dbSNP rs557789686, ClinGen allele CA6547245.